The following is an entry in ClinVar:

ClinVar aggregate classification (germline): Pathogenic (1 of 4 stars; one submission).

Conditions:
Acromesomelic dysplasia 1, Maroteaux type (AMD1). Also called: ST. HELENA DYSPLASIA; ACROMESOMELIC DYSPLASIA 1. Identifiers: Orphanet 40, MedGen C1864356, MONDO:0011275, OMIM 602875.
Tall stature-scoliosis-macrodactyly of the great toes syndrome. Also called: Epiphyseal chondrodysplasia, miura type. Identifiers: Orphanet 329191, MedGen C4014690, MONDO:0014401, OMIM 615923.

Submission:

Labcorp Genetics (formerly Invitae), Labcorp
Classification: Pathogenic for Tall stature-scoliosis-macrodactyly of the great toes syndrome; Acromesomelic dysplasia 1, Maroteaux type. Last evaluated: 2024-02-24. Review status: criteria provided, single submitter. Criteria: Invitae Variant Classification Sherloc (09022015). Collection method: clinical testing. Allele origin: germline.
Comment: This sequence change creates a premature translational stop signal (p.Gly521*) in the NPR2 gene. It is expected to result in an absent or disrupted protein product. Loss-of-function variants in NPR2 are known to be pathogenic (PMID: 15146390, 15572448, 16384845). Information on the frequency of this variant in the gnomAD database is not available, as this variant may be reported differently in the database. This variant has not been reported in the literature in individuals affected with NPR2-related conditions. For these reasons, this variant has been classified as Pathogenic.

Literature cited by the submitters: PubMed 15146390; PubMed 15572448; PubMed 16384845.

NM_003995.4(NPR2):c.1560_1561delinsCT (p.Gly521Ter)

Gene: NPR2 (natriuretic peptide receptor 2; plus strand). Cytogenetic location: 9p13.3.
Variant type: Indel.
Coding change: c.1560_1561delinsCT on transcript NM_003995.4 (MANE Select); coding-DNA positions 1560 to 1561, GG replaced by CT.
Protein change: p.Gly521Ter; replaces glycine 521 with a stop codon.
Molecular consequence: nonsense.
Genome position (GRCh38, 1-based): chr9:35,801,928-35,801,929, GG replaced by CT. VCF-style: chr9-35801928-GG-CT. GRCh37 (hg19) VCF-style: chr9-35801925-GG-CT.
Other names: c.1569_1570delinsCT, p.Gly524Ter (NM_001378923.1); short protein forms G521*, G524*.
Identifiers: ClinVar variation 3754774 (VCV003754774.2).